The following is an entry in ClinVar:

NM_024675.4(PALB2):c.1188C>G (p.Cys396Trp)

Gene: PALB2 (partner and localizer of BRCA2; minus strand). Cytogenetic location: 16p12.2.
Variant type: single nucleotide variant.
Coding change: c.1188C>G on transcript NM_024675.4 (MANE Select); coding-DNA position 1188, C replaced by G.
Protein change: p.Cys396Trp; replaces cysteine 396 with tryptophan.
Molecular consequence: missense variant.
Genome position (GRCh38, 1-based): chr16:23,635,358, G>C on the plus strand (C>G on the coding strand, the complement: PALB2 is on the minus strand). VCF-style: chr16-23635358-G-C. GRCh37 (hg19) VCF-style: chr16-23646679-G-C.
Other names: short protein forms C396W.
Identifiers: ClinVar variation 841874 (VCV000841874.12), dbSNP rs587780817, ClinGen allele CA395133302.

ClinVar aggregate classification (germline): Uncertain significance. Review status: criteria provided, multiple submitters, no conflicts (2 of 4 stars). 2 submissions from 2 submitters: Uncertain significance (2). Last evaluated 2025-10-25.

Conditions:
Familial cancer of breast. Also called: hereditary breast carcinoma; BREAST CANCER, FAMILIAL; Hereditary breast cancer. Identifiers: Orphanet 227535, MedGen C0346153, MONDO:0016419, OMIM 114480. Disease mechanism: loss of function.
Hereditary cancer-predisposing syndrome. Also called: Hereditary Cancer Syndrome; Hereditary neoplastic syndrome; Tumor predisposition; Neoplastic Syndromes, Hereditary. Identifiers: Orphanet 140162, MedGen C0027672, MeSH D009386, MONDO:0015356.

gnomAD v4.1: 1 of 1,613,970 alleles (0.000062%); highest among the groups gnomAD compares: Non-Finnish European, 0.000085%; no homozygotes.

Submissions (2):

Labcorp Genetics (formerly Invitae), Labcorp
Classification: Uncertain significance for Familial cancer of breast. Last evaluated: 2025-10-25. Review status: criteria provided, single submitter. Criteria: Invitae Variant Classification Sherloc (09022015). Collection method: clinical testing. Allele origin: germline.
Comment: This sequence change replaces cysteine, which is neutral and slightly polar, with tryptophan, which is neutral and slightly polar, at codon 396 of the PALB2 protein (p.Cys396Trp). This variant is not present in population databases (gnomAD no frequency). This variant has not been reported in the literature in individuals affected with PALB2-related conditions. ClinVar contains an entry for this variant (Variation ID: 841874). Invitae Evidence Modeling of protein sequence and biophysical properties (such as structural, functional, and spatial information, amino acid conservation, physicochemical variation, residue mobility, and thermodynamic stability) indicates that this missense variant is expected to disrupt PALB2 protein function with a positive predictive value of 80%. In summary, the available evidence is currently insufficient to determine the role of this variant in disease. Therefore, it has been classified as a Variant of Uncertain Significance.

Ambry Genetics
Classification: Uncertain significance for Hereditary cancer-predisposing syndrome. Last evaluated: 2024-04-20. Review status: criteria provided, single submitter. Criteria: Ambry Variant Classification Scheme 2023. Collection method: clinical testing. Allele origin: germline.
Comment: The p.C396W variant (also known as c.1188C>G), located in coding exon 4 of the PALB2 gene, results from a C to G substitution at nucleotide position 1188. The cysteine at codon 396 is replaced by tryptophan, an amino acid with highly dissimilar properties. This amino acid position is not well conserved in available vertebrate species. In addition, this alteration is predicted to be tolerated by in silico analysis. Since supporting evidence is limited at this time, the clinical significance of this alteration remains unclear.